The following is an entry in ClinVar:

NM_000722.4(CACNA2D1):c.1266T>G (p.Asn422Lys)

Genes: CACNA2D1 (calcium voltage-gated channel auxiliary subunit alpha2delta 1; minus strand), CACNA2D1-AS1 (CACNA2D1 antisense RNA 1; plus strand). Cytogenetic location: 7q21.11.
Variant type: single nucleotide variant.
Coding change: c.1266T>G on transcript NM_000722.4 (MANE Select); coding-DNA position 1266, T replaced by G.
Protein change: p.Asn422Lys; replaces asparagine 422 with lysine.
Molecular consequence: missense variant.
Genome position (GRCh38, 1-based): chr7:82,013,467, A>C on the plus strand (T>G on the coding strand, the complement: CACNA2D1 is on the minus strand). VCF-style: chr7-82013467-A-C. GRCh37 (hg19) VCF-style: chr7-81642783-A-C.
Other names: c.1266T>G, p.Asn422Lys (NM_001366867.1); short protein forms N422K.
Identifiers: ClinVar variation 3652075 (VCV003652075.2).

ClinVar aggregate classification (germline): Uncertain significance (1 of 4 stars; one submission).

Conditions:
Brugada syndrome. Also called: Sudden unexpected nocturnal death syndrome; Sudden Unexplained Death Syndrome; Sudden Unexplained Nocturnal Death Syndrome (SUNDS); Sudden unexplained nocturnal death syndrome. Identifiers: Orphanet 130, MedGen C1142166, MONDO:0015263.

Submission:

Labcorp Genetics (formerly Invitae), Labcorp
Classification: Uncertain significance for Brugada syndrome. Last evaluated: 2024-05-09. Review status: criteria provided, single submitter. Criteria: Invitae Variant Classification Sherloc (09022015). Collection method: clinical testing. Allele origin: germline.
Comment: This sequence change replaces asparagine, which is neutral and polar, with lysine, which is basic and polar, at codon 422 of the CACNA2D1 protein (p.Asn422Lys). This variant is not present in population databases (gnomAD no frequency). This variant has not been reported in the literature in individuals affected with CACNA2D1-related conditions. An algorithm developed to predict the effect of missense changes on protein structure and function (PolyPhen-2) suggests that this variant is likely to be disruptive. In summary, the available evidence is currently insufficient to determine the role of this variant in disease. Therefore, it has been classified as a Variant of Uncertain Significance.